The following is an entry in ClinVar:

NM_194454.3(KRIT1):c.405A>C (p.Leu135Phe)

Gene: KRIT1 (KRIT1 ankyrin repeat containing; minus strand). Cytogenetic location: 7q21.2.
Variant type: single nucleotide variant.
Coding change: c.405A>C on transcript NM_194454.3 (MANE Select); coding-DNA position 405, A replaced by C.
Protein change: p.Leu135Phe; replaces leucine 135 with phenylalanine.
Molecular consequence: missense variant. On other transcripts: 5 prime UTR variant (1).
Genome position (GRCh38, 1-based): chr7:92,236,493, T>G on the plus strand (A>C on the coding strand, the complement: KRIT1 is on the minus strand). VCF-style: chr7-92236493-T-G. GRCh37 (hg19) VCF-style: chr7-91865807-T-G.
Other names: c.405A>C, p.Leu135Phe (NM_001013406.2, NM_001350669.1, NM_001350676.1 and 29 more transcripts); c.-179A>C (NM_001350671.1); short protein forms L135F.
Identifiers: ClinVar variation 2852071 (VCV002852071.3), dbSNP rs1326222585, ClinGen allele CA368162468.

ClinVar aggregate classification (germline): Uncertain significance (1 of 4 stars; one submission).

Conditions:
Cerebral cavernous malformation (CCM). Also called: CAVERNOUS ANGIOMA, FAMILIAL; CAVERNOUS ANGIOMATOUS MALFORMATIONS; CEREBRAL CAPILLARY MALFORMATIONS; Cavernous Hemangioma of Brain; Cerebral cavernous malformations; Cerebral cavernous hemangioma (type). Identifiers: Orphanet 221061, MedGen C2919945, MONDO:0000820, OMIM 116860, HP:0033522.

gnomAD v4.1: 3 of 1,588,044 alleles (0.00019%); highest among the groups gnomAD compares: East Asian, 0.0067%; no homozygotes.

Submission:

Labcorp Genetics (formerly Invitae), Labcorp
Classification: Uncertain significance for Cerebral cavernous malformation. Last evaluated: 2023-05-19. Review status: criteria provided, single submitter. Criteria: Invitae Variant Classification Sherloc (09022015). Collection method: clinical testing. Allele origin: germline.
Comment: In summary, the available evidence is currently insufficient to determine the role of this variant in disease. Therefore, it has been classified as a Variant of Uncertain Significance. Advanced modeling of protein sequence and biophysical properties (such as structural, functional, and spatial information, amino acid conservation, physicochemical variation, residue mobility, and thermodynamic stability) performed at Invitae indicates that this missense variant is not expected to disrupt KRIT1 protein function. This variant has not been reported in the literature in individuals affected with KRIT1-related conditions. This variant is present in population databases (no rsID available, gnomAD 0.01%). This sequence change replaces leucine, which is neutral and non-polar, with phenylalanine, which is neutral and non-polar, at codon 135 of the KRIT1 protein (p.Leu135Phe).